The following is an entry in ClinVar:

NM_000330.4(RS1):c.599_607del (p.Arg200_Ile202del)

Genes: CDKL5 (cyclin dependent kinase like 5; plus strand), RS1 (retinoschisin 1; minus strand). Cytogenetic location: Xp22.13.
Variant type: Deletion.
Coding change: c.599_607del on transcript NM_000330.4 (MANE Select); coding-DNA positions 599 to 607, 9 bases deleted (GCCTCATCC; older notation c.599_607delGCCTCATCC).
Protein change: p.Arg200_Ile202del.
Molecular consequence: inframe deletion. On other transcripts: intron variant (2).
Genome position (GRCh38, 1-based): chrX:18,642,072-18,642,080, GGATGAGGC deleted on the plus strand (GCCTCATCC on the coding strand, the reverse complement: RS1 is on the minus strand); deleting any 9 consecutive bases within chrX:18,642,072-18,642,086 gives the same sequence; the c. name uses the placement nearest the transcript's 3' end. VCF-style (leftmost placement, unchanged base first): chrX-18642071-GGGATGAGGC-G. GRCh37 (hg19) VCF-style: chrX-18660191-GGGATGAGGC-G.
Other names: c.2714-3929_2714-3921del (NM_003159.3, NM_001037343.2).
Identifiers: ClinVar variation 4538533 (VCV004538533.1).

ClinVar aggregate classification (germline): Uncertain significance (1 of 4 stars; one submission).

Conditions:
Retinal disorder. Also called: Retinopathy; Retinopathies; Retinal Diseases; Retinal disorders. Identifiers: MedGen C0035309, MONDO:0005283, HP:0000488.

Submission:

Genetics Laboratory, Great Ormond Street Hospital NHS Foundation Trust, North Thames Genomic Laboratory Hub
Classification: Uncertain significance for Retinal disorders. Last evaluated: 2025-10-23. Review status: criteria provided, single submitter. Criteria: ACGS Best Practice Guidelines for Variant Classification in Rare Disease 2024 v1.2. Collection method: clinical testing. Allele origin: germline. Affected: yes.
Comment: PM2_moderate, PM4_moderate